The following is an entry in ClinVar:

NM_001127198.5(TMC6):c.1214G>A (p.Arg405His)

Genes: TMC6 (transmembrane channel like 6; minus strand), LOC130061785 (ATAC-STARR-seq lymphoblastoid active region 12857; plus strand). Cytogenetic location: 17q25.3.
Variant type: single nucleotide variant.
Coding change: c.1214G>A on transcript NM_001127198.5 (MANE Select); coding-DNA position 1214, G replaced by A.
Protein change: p.Arg405His; replaces arginine 405 with histidine.
Molecular consequence: missense variant. On other transcripts: non-coding transcript variant (4).
Genome position (GRCh38, 1-based): chr17:78,122,618, C>T on the plus strand (G>A on the coding strand, the complement: TMC6 is on the minus strand). VCF-style: chr17-78122618-C-T. GRCh37 (hg19) VCF-style: chr17-76118699-C-T.
Other names: c.1214G>A (NM_007267.6); c.1214G>A, p.Arg405His (NM_001321185.1, NM_001374593.1, NM_001374594.1 and 4 more transcripts); short protein forms R405H.
Identifiers: ClinVar variation 526236 (VCV000526236.15), dbSNP rs149023121, ClinGen allele CA8795833.
Genomic context (GRCh38, chr17:78,122,618, plus strand): 5'-CCTGCAGGGAGCTGGGCAGGCCAGCTTGGTGCTCCGGGGCCACTCACCTTCAGCCGGGTG[C>T]GAATATTGTCCTGCTGGAGGCGGGAGGCCCGCTTCTGCGTCACCTTGTAGTCCCAGGAGC-3'
Protein context (NP_001120670.1, residues 395-415): RASRLQQDNI[Arg405His]TRLKELLAEW

ClinVar aggregate classification (germline): Conflicting classifications of pathogenicity. Review status: criteria provided, conflicting classifications (1 of 4 stars). 4 submissions from 4 submitters: Uncertain significance (2); Likely benign (2). Last evaluated 2025-12-17.

Conditions:
Epidermodysplasia verruciformis. Identifiers: Orphanet 302, MedGen C0014522, MONDO:0009176.
Inborn genetic diseases. Identifiers: MedGen C0950123, MeSH D030342.
Epidermodysplasia verruciformis, susceptibility to, 1. Identifiers: Orphanet 302, MedGen C4722564, MONDO:0100045, OMIM 226400.

Allele frequency attached by ClinVar (database versions not stated): ExAC 0.00022; 1000 Genomes Project 30x 0.00062; 1000 Genomes Project 0.00080; gnomAD 0.00084 and 0.00090; TOPMed 0.00087; ESP Exome Variant Server 0.00100.

Submissions (4):

Labcorp Genetics (formerly Invitae), Labcorp
Classification: Likely benign for Epidermodysplasia verruciformis. Last evaluated: 2025-12-17. Review status: criteria provided, single submitter. Criteria: Invitae Variant Classification Sherloc (09022015). Collection method: clinical testing. Allele origin: germline.

Ambry Genetics
Classification: Uncertain significance for Inborn genetic diseases. Last evaluated: 2025-02-08. Review status: criteria provided, single submitter. Criteria: Ambry Variant Classification Scheme 2023. Collection method: clinical testing. Allele origin: germline.

Blueprint Genetics
Classification: Likely benign. Last evaluated: 2023-09-16. Review status: criteria provided, single submitter. Criteria: ACMG Guidelines, 2015. Collection method: clinical testing. Allele origin: germline.

Center for Genomics, Ann and Robert H. Lurie Children's Hospital of Chicago
Classification: Uncertain significance for Epidermodysplasia verruciformis, susceptibility to, 1. Last evaluated: 2021-03-30. Review status: criteria provided, single submitter. Criteria: ACMG Guidelines, 2015. Collection method: clinical testing. Allele origin: germline.
Comment: TMC6 NM_007267.7 exon 10 p.Arg405His (c.1214G>A): This variant has not been reported in the literature but is present in 0.2% (54/24758) of African alleles in the Genome Aggregation Database. This variant is present in ClinVar (Variation ID:526326). Evolutionary conservation and computational predictive tools suggest that this variant may not impact the protein. In summary, data on this variant is insufficient for disease classification. Therefore, the clinical significance of this variant is uncertain.